The following is an entry in ClinVar:

NM_020745.4(AARS2):c.1660C>T (p.Arg554Cys)

Gene: AARS2 (alanyl-tRNA synthetase 2, mitochondrial; minus strand). Cytogenetic location: 6p21.1.
Variant type: single nucleotide variant.
Coding change: c.1660C>T on transcript NM_020745.4 (MANE Select); coding-DNA position 1660, C replaced by T.
Protein change: p.Arg554Cys; replaces arginine 554 with cysteine.
Molecular consequence: missense variant.
Genome position (GRCh38, 1-based): chr6:44,304,737, G>A on the plus strand (C>T on the coding strand, the complement: AARS2 is on the minus strand). VCF-style: chr6-44304737-G-A. GRCh37 (hg19) VCF-style: chr6-44272474-G-A.
Other names: p.R554C:CGC>TGC; short protein forms R554C.
Identifiers: ClinVar variation 203376 (VCV000203376.20), dbSNP rs146924860, ClinGen allele CA203877.

ClinVar aggregate classification (germline): Conflicting classifications of pathogenicity. Review status: criteria provided, conflicting classifications (1 of 4 stars). 7 submissions from 7 submitters: Uncertain significance (4); Likely benign (1). 2 of the submissions do not count toward it. Last evaluated 2026-02-01.

Conditions:
Combined oxidative phosphorylation defect type 8. Also called: CARDIOMYOPATHY, HYPERTROPHIC MITOCHONDRIAL, FATAL INFANTILE. Identifiers: Orphanet 319504, MedGen C4518839, MONDO:0013570, OMIM 614096.

Allele frequency attached by ClinVar (database versions not stated): 1000 Genomes Project 0.00040; 1000 Genomes Project 30x 0.00047; TOPMed 0.00050; ESP Exome Variant Server 0.00054; gnomAD 0.00058 and 0.00060; gnomAD exomes 0.00070 and 0.00073; ExAC 0.00081.
gnomAD v4.1: 1,165 of 1,614,204 alleles (0.072%); highest among the groups gnomAD compares: Non-Finnish European, 0.086%; no homozygotes.

Submissions (7):

CeGaT Center for Human Genetics Tuebingen
Classification: Uncertain significance. Last evaluated: 2026-02-01. Review status: criteria provided, single submitter. Criteria: CeGaT Center For Human Genetics Tuebingen Variant Classification Criteria Version 2. Collection method: clinical testing. Allele origin: germline. Affected: yes. Observed: 1 variant allele.
Comment: AARS2: PM2, BP4

Molecular Diagnostic Laboratory for Inherited Cardiovascular Disease, Montreal Heart Institute
Classification: Likely benign. Last evaluated: 2025-04-09. Review status: criteria provided, single submitter. Criteria: ACMG Guidelines, 2015. Collection method: clinical testing. Allele origin: germline. Affected: no.
Comment: BS1

Labcorp Genetics (formerly Invitae), Labcorp
Classification: Uncertain significance. Last evaluated: 2024-01-25. Review status: criteria provided, single submitter. Criteria: Invitae Variant Classification Sherloc (09022015). Collection method: clinical testing. Allele origin: germline.
Comment: This sequence change replaces arginine, which is basic and polar, with cysteine, which is neutral and slightly polar, at codon 554 of the AARS2 protein (p.Arg554Cys). This variant is present in population databases (rs146924860, gnomAD 0.1%), and has an allele count higher than expected for a pathogenic variant. This variant has not been reported in the literature in individuals affected with AARS2-related conditions. ClinVar contains an entry for this variant (Variation ID: 203376). Advanced modeling of protein sequence and biophysical properties (such as structural, functional, and spatial information, amino acid conservation, physicochemical variation, residue mobility, and thermodynamic stability) performed at Invitae indicates that this missense variant is not expected to disrupt AARS2 protein function with a negative predictive value of 80%. In summary, the available evidence is currently insufficient to determine the role of this variant in disease. Therefore, it has been classified as a Variant of Uncertain Significance.

GeneDx
Classification: Uncertain significance. Last evaluated: 2021-02-25. Review status: criteria provided, single submitter. Criteria: GeneDx Variant Classification Process June 2021. Collection method: clinical testing. Allele origin: germline. Affected: yes.
Comment: Has not been previously published as pathogenic or benign to our knowledge; In silico analysis supports that this missense variant has a deleterious effect on protein structure/function

Illumina Laboratory Services, Illumina
Classification: Uncertain significance for Combined oxidative phosphorylation defect type 8. Last evaluated: 2018-01-12. Review status: criteria provided, single submitter. Criteria: ICSL Variant Classification Criteria 13 December 2019. Collection method: clinical testing. Allele origin: germline.

Mayo Clinic Laboratories, Mayo Clinic
Classification: Uncertain significance. Last evaluated: 2016-02-25. Review status: no assertion criteria provided. Collection method: clinical testing. Allele origin: unknown. Not counted in ClinVar's aggregate classification.

Division of Human Genetics, Children's Hospital of Philadelphia
Classification: Uncertain significance for Combined oxidative phosphorylation deficiency 8. Last evaluated: 2015-05-07. Review status: no assertion criteria provided. Collection method: research. Allele origin: maternal. Affected: yes. Study: CSER-PediSeq. Not counted in ClinVar's aggregate classification.
Comment: The heterozygous variant in the AARS2 gene (c.1660C>T; p.Arg554Cys)is considered a Variant of Unknown significance. This variant has not been previously published but was seen in 98 individuals (out of 122736 alleles interrogated at this position) in the ExAC database. The amino acid position is not well conserved across species while the nucleotide position is only moderately conserved, the change is however non-conservative.